The following is an entry in ClinVar:

ClinVar aggregate classification (germline): Uncertain significance (1 of 4 stars; one submission).

gnomAD v4.1: 1 of 1,612,226 alleles (0.000062%); highest among the groups gnomAD compares: Non-Finnish European, 0.000085%; no homozygotes.

Submission:

GeneDx
Classification: Uncertain significance. Last evaluated: 2025-04-24. Review status: criteria provided, single submitter. Criteria: GeneDx Variant Classification Process June 2021. Collection method: clinical testing. Allele origin: germline. Affected: yes.
Comment: Not observed at significant frequency in large population cohorts (gnomAD); In silico analysis supports that this missense variant has a deleterious effect on protein structure/function; Has not been previously published as pathogenic or benign to our knowledge

NM_000836.4(GRIN2D):c.710G>A (p.Arg237His)

Gene: GRIN2D (glutamate ionotropic receptor NMDA type subunit 2D; plus strand). Cytogenetic location: 19q13.33.
Variant type: single nucleotide variant.
Coding change: c.710G>A on transcript NM_000836.4 (MANE Select); coding-DNA position 710, G replaced by A.
Protein change: p.Arg237His; replaces arginine 237 with histidine.
Molecular consequence: missense variant.
Genome position (GRCh38, 1-based): chr19:48,404,978, G>A. VCF-style: chr19-48404978-G-A. GRCh37 (hg19) VCF-style: chr19-48908235-G-A.
Other names: short protein forms R237H.
Identifiers: ClinVar variation 4527076 (VCV004527076.1).